The following is an entry in ClinVar:

NM_015631.6(TCTN3):c.1206dup (p.Thr403fs)

Gene: TCTN3 (tectonic family member 3; minus strand). Cytogenetic location: 10q24.1.
Variant type: Duplication.
Coding change: c.1206dup on transcript NM_015631.6 (MANE Select); coding-DNA position 1206, one base duplicated (G; older notation c.1206dupG).
Protein change: p.Thr403fs; shifts the reading frame from threonine 403.
Molecular consequence: frameshift variant.
Genome position (GRCh38, 1-based): chr10:95,683,193, C duplicated on the plus strand (G on the coding strand, the reverse complement: TCTN3 is on the minus strand). VCF-style (leftmost placement, unchanged base first): chr10-95683192-T-TC. GRCh37 (hg19) VCF-style: chr10-97442949-T-TC.
Other names: c.1260dup, p.Thr421Aspfs (NM_001013840.1); c.762dup, p.Thr255fs (NM_001143973.2); short protein forms T403fs, T255fs.
Identifiers: ClinVar variation 2120440 (VCV002120440.4), dbSNP rs2492743120, ClinGen allele CA2580082516.

ClinVar aggregate classification (germline): Pathogenic (1 of 4 stars; one submission).

Conditions:
Joubert syndrome 18 (JBTS18). Identifiers: Orphanet 2754, MedGen C3553758, MONDO:0013896, OMIM 614815.
Orofacial-digital syndrome IV (OFD4). Also called: BARAITSER-BURN SYNDROME; OFD SYNDROME WITH TIBIAL DEFECTS; OFD SYNDROME, BARAITSER-BURN TYPE; OFDS IV; ORAL-FACIAL-DIGITAL SYNDROME, TYPE IV; Orofaciodigital syndrome IV. Identifiers: Orphanet 2753, MedGen C0406727, MONDO:0009794, OMIM 258860.

Submission:

Labcorp Genetics (formerly Invitae), Labcorp
Classification: Pathogenic for Joubert syndrome 18; Orofacial-digital syndrome IV. Last evaluated: 2022-04-01. Review status: criteria provided, single submitter. Criteria: Invitae Variant Classification Sherloc (09022015). Collection method: clinical testing. Allele origin: germline.
Comment: For these reasons, this variant has been classified as Pathogenic. This variant has not been reported in the literature in individuals affected with TCTN3-related conditions. This variant is not present in population databases (gnomAD no frequency). This sequence change creates a premature translational stop signal (p.Thr403Aspfs*8) in the TCTN3 gene. It is expected to result in an absent or disrupted protein product. Loss-of-function variants in TCTN3 are known to be pathogenic (PMID: 2692869, 22883145, 25118024).

Literature cited by the submitters: PubMed 2692869; PubMed 22883145; PubMed 25118024.